The following is an entry in ClinVar:

NM_182961.4(SYNE1):c.6628G>T (p.Glu2210Ter)

Gene: SYNE1 (spectrin repeat containing nuclear envelope protein 1; minus strand). Cytogenetic location: 6q25.2.
Variant type: single nucleotide variant.
Coding change: c.6628G>T on transcript NM_182961.4 (MANE Select); coding-DNA position 6628, G replaced by T.
Protein change: p.Glu2210Ter; replaces glutamic acid 2210 with a stop codon.
Molecular consequence: nonsense.
Genome position (GRCh38, 1-based): chr6:152,407,109, C>A on the plus strand (G>T on the coding strand, the complement: SYNE1 is on the minus strand). VCF-style: chr6-152407109-C-A. GRCh37 (hg19) VCF-style: chr6-152728244-C-A.
Other names: c.6649G>T, p.Glu2217Ter (NM_033071.5); c.6649G>T (NM_033071.3); short protein forms E2210*, E2217*.
Identifiers: ClinVar variation 1071220 (VCV001071220.8), dbSNP rs1417491327, ClinGen allele CA366124129.
Genomic context (GRCh38, chr6:152,407,109, plus strand): 5'-GGTTATCCAGGTTGCTGATGTTTTCTGCCATCTGTGGAACGCAGTTGTTTGACCATCCCT[C>A]AATCTCATCTCTAGTTGACAGTACATCATCCCAAATGGACAGGCTTACTCTCAGCCTATC-3'

ClinVar aggregate classification (germline): Pathogenic/Likely pathogenic. Review status: criteria provided, multiple submitters, no conflicts (2 of 4 stars). 2 submissions from 2 submitters: Pathogenic (1); Likely pathogenic (1). Last evaluated 2026-01-08.

Conditions:
Emery-Dreifuss muscular dystrophy 4, autosomal dominant (EDMD4). Also called: EMERY-DREIFUSS MUSCULAR DYSTROPHY 4 WITH VARIABLE FEATURES. Identifiers: Orphanet 261, MedGen C2751807, MONDO:0013071, OMIM 612998.
Autosomal recessive ataxia, Beauce type. Also called: Spinocerebellar ataxia, autosomal recessive 8; ATAXIA, RECESSIVE, OF BEAUCE; SYNE1-Related Autosomal Recessive Cerebellar Ataxia; SYNE1 Deficiency. Identifiers: Orphanet 88644, MedGen C1853116, MONDO:0012549, OMIM 610743.

Allele frequency attached by ClinVar (database versions not stated): gnomAD exomes below 0.00001.
gnomAD v4.1: 1 of 1,614,006 alleles (0.000062%); highest among the groups gnomAD compares: Non-Finnish European, 0.000085%; no homozygotes.

Submissions (2):

Labcorp Genetics (formerly Invitae), Labcorp
Classification: Pathogenic for Emery-Dreifuss muscular dystrophy 4, autosomal dominant; Autosomal recessive ataxia, Beauce type. Last evaluated: 2026-01-08. Review status: criteria provided, single submitter. Criteria: Invitae Variant Classification Sherloc (09022015). Collection method: clinical testing. Allele origin: germline.
Comment: This sequence change creates a premature translational stop signal (p.Glu2217*) in the SYNE1 gene. It is expected to result in an absent or disrupted protein product. Loss-of-function variants in SYNE1 are known to be pathogenic (PMID: 19542096, 24319099, 27086870). This variant is present in population databases (no rsID available, gnomAD 0.0009%). This variant has not been reported in the literature in individuals affected with SYNE1-related conditions. ClinVar contains an entry for this variant (Variation ID: 1071220). For these reasons, this variant has been classified as Pathogenic.

Revvity Omics, Revvity
Classification: Likely pathogenic. Last evaluated: 2024-03-21. Review status: criteria provided, single submitter. Criteria: ACMG Guidelines, 2015. Collection method: clinical testing. Allele origin: germline.

Literature cited by the submitters: PubMed 19542096 (cited by Labcorp Genetics (formerly Invitae), Labcorp); PubMed 24319099 (cited by Labcorp Genetics (formerly Invitae), Labcorp); PubMed 27086870 (cited by Labcorp Genetics (formerly Invitae), Labcorp).